The following is an entry in ClinVar:

NM_001039141.3(TRIOBP):c.455T>C (p.Val152Ala)

Gene: TRIOBP (TRIO and F-actin binding protein; plus strand). Cytogenetic location: 22q13.1.
Variant type: single nucleotide variant.
Coding change: c.455T>C on transcript NM_001039141.3 (MANE Select); coding-DNA position 455, T replaced by C.
Protein change: p.Val152Ala; replaces valine 152 with alanine.
Molecular consequence: missense variant.
Genome position (GRCh38, 1-based): chr22:37,713,410, T>C. VCF-style: chr22-37713410-T-C. GRCh37 (hg19) VCF-style: chr22-38109417-T-C.
Other names: short protein forms V152A.
Identifiers: ClinVar variation 2575697 (VCV002575697.2), dbSNP rs762955207, ClinGen allele CA10223343.

ClinVar aggregate classification (germline): Uncertain significance. Review status: criteria provided, multiple submitters, no conflicts (2 of 4 stars). 2 submissions from 2 submitters: Uncertain significance (2). Last evaluated 2023-07-13.

Allele frequency attached by ClinVar (database versions not stated): gnomAD exomes 0.00002; gnomAD 0.00003; ExAC 0.00006; TOPMed 0.00007.
gnomAD v4.1: 36 of 1,612,520 alleles (0.0022%); highest among the groups gnomAD compares: East Asian, 0.051%; no homozygotes.

Submissions (2):

Blueprint Genetics
Classification: Uncertain significance. Last evaluated: 2023-07-13. Review status: criteria provided, single submitter. Criteria: ACMG Guidelines, 2015. Collection method: clinical testing. Allele origin: germline.

GeneDx
Classification: Uncertain significance. Last evaluated: 2023-02-14. Review status: criteria provided, single submitter. Criteria: GeneDx Variant Classification Process June 2021. Collection method: clinical testing. Allele origin: germline. Affected: yes.
Comment: In silico analysis supports that this missense variant does not alter protein structure/function; Has not been previously published as pathogenic or benign to our knowledge